The following is an entry in ClinVar:

NM_014974.3(DIP2C):c.2250G>A (p.Met750Ile)

Gene: DIP2C (DIP2 acetate--CoA ligase C (putative); minus strand). Cytogenetic location: 10p15.3.
Variant type: single nucleotide variant.
Coding change: c.2250G>A on transcript NM_014974.3 (MANE Select); coding-DNA position 2250, G replaced by A.
Protein change: p.Met750Ile; replaces methionine 750 with isoleucine.
Molecular consequence: missense variant.
Genome position (GRCh38, 1-based): chr10:366,293, C>T on the plus strand (G>A on the coding strand, the complement: DIP2C is on the minus strand). VCF-style: chr10-366293-C-T. GRCh37 (hg19) VCF-style: chr10-412233-C-T.
Other names: short protein forms M750I.
Identifiers: ClinVar variation 2695384 (VCV002695384.3), dbSNP rs765463722, ClinGen allele CA5380533.

ClinVar aggregate classification (germline): Uncertain significance (1 of 4 stars; one submission).

Allele frequency attached by ClinVar (database versions not stated): ExAC 0.00001.

Submission:

Labcorp Genetics (formerly Invitae), Labcorp
Classification: Uncertain significance. Last evaluated: 2023-11-12. Review status: criteria provided, single submitter. Criteria: Invitae Variant Classification Sherloc (09022015). Collection method: clinical testing. Allele origin: germline.
Comment: This sequence change replaces methionine, which is neutral and non-polar, with isoleucine, which is neutral and non-polar, at codon 750 of the DIP2C protein (p.Met750Ile). This variant is present in population databases (rs765463722, gnomAD 0.005%). This variant has not been reported in the literature in individuals affected with DIP2C-related conditions. An algorithm developed to predict the effect of missense changes on protein structure and function (PolyPhen-2) suggests that this variant is likely to be tolerated. In summary, the available evidence is currently insufficient to determine the role of this variant in disease. Therefore, it has been classified as a Variant of Uncertain Significance.